The following is an entry in ClinVar:

NM_000518.5(HBB):c.270_271del (p.Ser90fs)

Genes: HBB (hemoglobin subunit beta; minus strand), LOC106099062 (HBB recombination region; plus strand), LOC107133510 (origin of replication at HBB; plus strand). Cytogenetic location: 11p15.4.
Variant type: Deletion.
Coding change: c.270_271del on transcript NM_000518.5 (MANE Select); coding-DNA positions 270 to 271, 2 bases deleted (TG; older notation c.270_271delTG).
Protein change: p.Ser90fs; shifts the reading frame from serine 90.
Molecular consequence: frameshift variant.
Genome position (GRCh38, 1-based): chr11:5,226,621-5,226,622, CA deleted on the plus strand (TG on the coding strand, the reverse complement: HBB is on the minus strand); deleting any 2 consecutive bases within chr11:5,226,621-5,226,623 gives the same sequence; the c. name uses the placement nearest the transcript's 3' end. VCF-style (leftmost placement, unchanged base first): chr11-5226620-TCA-T. GRCh37 (hg19) VCF-style: chr11-5247850-TCA-T.
Other names: CD 89/90 (AGTGAG>AGAG); c.270_271del (NM_000518.4); short protein forms S90fs.
Identifiers: ClinVar variation 869308 (VCV000869308.3), dbSNP rs34466953, ClinGen allele CA217113648.

ClinVar aggregate classification (germline): Pathogenic. Review status: criteria provided, single submitter (1 of 4 stars). 2 submissions from 2 submitters: Pathogenic (1). 1 of the submissions does not count toward it. Last evaluated 2023-09-28.

Conditions:
beta Thalassemia (BTHAL). Also called: Cooley's anemia; Erythroblastic anemia; Mediterranean anemia. Identifiers: Orphanet 848, MedGen C0005283, MONDO:0019402. Disease mechanism: loss of function.

Submissions (2):

Quest Diagnostics Nichols Institute San Juan Capistrano
Classification: Pathogenic. Last evaluated: 2023-09-28. Review status: criteria provided, single submitter. Criteria: Quest Diagnostics criteria. Collection method: clinical testing. Allele origin: unknown.
Comment: The HBB c.270_271del (p.Ser90Argfs*5) variant alters the translational reading frame of the HBB mRNA and causes the premature termination of HBB protein synthesis. In the published literature, this variant has been reported in individuals with beta thalassemia (PMID: 9101288 (1997), 12144056 (2002)). This variant has not been reported in large, multi-ethnic general populations (Genome Aggregation Database). Based on the available information, this variant is classified as pathogenic.

The ITHANET community portal, The Cyprus Institute of Neurology and Genetics
Classification: Pathogenic for beta Thalassemia. Last evaluated: 2019-11-25. Review status: no assertion criteria provided. Collection method: curation. Allele origin: germline. Not counted in ClinVar's aggregate classification.

Literature cited by the submitters: PubMed 12144056 (cited by Quest Diagnostics Nichols Institute San Juan Capistrano); PubMed 9101288 (cited by Quest Diagnostics Nichols Institute San Juan Capistrano and The ITHANET community portal, The Cyprus Institute of Neurology and Genetics).